The following is an entry in ClinVar:

NM_017763.6(RNF43):c.1033C>G (p.His345Asp)

Gene: RNF43 (ring finger protein 43; minus strand). Cytogenetic location: 17q22.
Variant type: single nucleotide variant.
Coding change: c.1033C>G on transcript NM_017763.6 (MANE Select); coding-DNA position 1033, C replaced by G.
Protein change: p.His345Asp; replaces histidine 345 with aspartic acid.
Molecular consequence: missense variant.
Genome position (GRCh38, 1-based): chr17:58,358,743, G>C on the plus strand (C>G on the coding strand, the complement: RNF43 is on the minus strand). VCF-style: chr17-58358743-G-C. GRCh37 (hg19) VCF-style: chr17-56436104-G-C.
Other names: c.1033C>G, p.His345Asp (NM_001305544.3); c.652C>G, p.His218Asp (NM_001305545.2); short protein forms H218D, H345D.
Identifiers: ClinVar variation 2837516 (VCV002837516.3), dbSNP rs1320791948, ClinGen allele CA400332069.

ClinVar aggregate classification (germline): Uncertain significance (1 of 4 stars; one submission).

Submission:

Labcorp Genetics (formerly Invitae), Labcorp
Classification: Uncertain significance. Last evaluated: 2023-11-17. Review status: criteria provided, single submitter. Criteria: Invitae Variant Classification Sherloc (09022015). Collection method: clinical testing. Allele origin: germline.
Comment: This sequence change replaces histidine, which is basic and polar, with aspartic acid, which is acidic and polar, at codon 345 of the RNF43 protein (p.His345Asp). This variant is not present in population databases (gnomAD no frequency). This variant has not been reported in the literature in individuals affected with RNF43-related conditions. An algorithm developed to predict the effect of missense changes on protein structure and function (PolyPhen-2) suggests that this variant is likely to be disruptive. In summary, the available evidence is currently insufficient to determine the role of this variant in disease. Therefore, it has been classified as a Variant of Uncertain Significance.